The following is an entry in ClinVar:

NM_032043.3(BRIP1):c.1168G>T (p.Val390Phe)

Gene: BRIP1 (BRCA1 interacting DNA helicase 1; minus strand). Cytogenetic location: 17q23.2.
Variant type: single nucleotide variant.
Coding change: c.1168G>T on transcript NM_032043.3 (MANE Select); coding-DNA position 1168, G replaced by T.
Protein change: p.Val390Phe; replaces valine 390 with phenylalanine.
Molecular consequence: missense variant.
Genome position (GRCh38, 1-based): chr17:61,799,272, C>A on the plus strand (G>T on the coding strand, the complement: BRIP1 is on the minus strand). VCF-style: chr17-61799272-C-A. GRCh37 (hg19) VCF-style: chr17-59876633-C-A.
Other names: c.1168G>T (NM_032043.2); short protein forms V390F.
Identifiers: ClinVar variation 1390151 (VCV001390151.10), dbSNP rs781168634, ClinGen allele CA400483776.

ClinVar aggregate classification (germline): Uncertain significance. Review status: criteria provided, multiple submitters, no conflicts (2 of 4 stars). 2 submissions from 2 submitters: Uncertain significance (2). Last evaluated 2025-07-05.

Conditions:
Familial cancer of breast. Also called: BREAST CANCER, FAMILIAL; hereditary breast carcinoma; Hereditary breast cancer. Identifiers: Orphanet 227535, MedGen C0346153, MONDO:0016419, OMIM 114480. Disease mechanism: loss of function.
Fanconi anemia complementation group J. Also called: BRIP1-Related Fanconi Anemia. Identifiers: Orphanet 84, MedGen C1836860, MONDO:0012187, OMIM 609054.
Hereditary cancer-predisposing syndrome. Also called: Hereditary neoplastic syndrome; Neoplastic Syndromes, Hereditary; Hereditary Cancer Syndrome; Tumor predisposition. Identifiers: Orphanet 140162, MedGen C0027672, MeSH D009386, MONDO:0015356.

Submissions (2):

Ambry Genetics
Classification: Uncertain significance for Hereditary cancer-predisposing syndrome. Last evaluated: 2025-07-05. Review status: criteria provided, single submitter. Criteria: Ambry Variant Classification Scheme 2023. Collection method: clinical testing. Allele origin: germline.
Comment: The p.V390F variant (also known as c.1168G>T), located in coding exon 8 of the BRIP1 gene, results from a G to T substitution at nucleotide position 1168. The valine at codon 390 is replaced by phenylalanine, an amino acid with highly similar properties. This amino acid position is conserved. In addition, the in silico prediction for this alteration is inconclusive. Based on the available evidence, the clinical significance of this variant remains unclear.

Labcorp Genetics (formerly Invitae), Labcorp
Classification: Uncertain significance for Familial cancer of breast; Fanconi anemia complementation group J. Last evaluated: 2022-03-05. Review status: criteria provided, single submitter. Criteria: Invitae Variant Classification Sherloc (09022015). Collection method: clinical testing. Allele origin: germline.
Comment: In summary, the available evidence is currently insufficient to determine the role of this variant in disease. Therefore, it has been classified as a Variant of Uncertain Significance. This sequence change replaces valine, which is neutral and non-polar, with phenylalanine, which is neutral and non-polar, at codon 390 of the BRIP1 protein (p.Val390Phe). This variant is not present in population databases (gnomAD no frequency). This variant has not been reported in the literature in individuals affected with BRIP1-related conditions. Algorithms developed to predict the effect of missense changes on protein structure and function are either unavailable or do not agree on the potential impact of this missense change (SIFT: "Deleterious"; PolyPhen-2: "Probably Damaging"; Align-GVGD: "Class C0"). Algorithms developed to predict the effect of sequence changes on RNA splicing suggest that this variant may create or strengthen a splice site.